The following is an entry in ClinVar:

NM_001999.4(FBN2):c.8425C>T (p.Leu2809Phe)

Gene: FBN2 (fibrillin 2; minus strand). Cytogenetic location: 5q23.3.
Variant type: single nucleotide variant.
Coding change: c.8425C>T on transcript NM_001999.4 (MANE Select); coding-DNA position 8425, C replaced by T.
Protein change: p.Leu2809Phe; replaces leucine 2809 with phenylalanine.
Molecular consequence: missense variant.
Genome position (GRCh38, 1-based): chr5:128,259,769, G>A on the plus strand (C>T on the coding strand, the complement: FBN2 is on the minus strand). VCF-style: chr5-128259769-G-A. GRCh37 (hg19) VCF-style: chr5-127595461-G-A.
Other names: short protein forms L2809F.
Identifiers: ClinVar variation 846176 (VCV000846176.10), dbSNP rs1764918027, ClinGen allele CA360745872.

ClinVar aggregate classification (germline): Uncertain significance (1 of 4 stars; one submission).

Conditions:
Congenital contractural arachnodactyly (CCA). Also called: BEALS SYNDROME; Arthrogryposis, distal, type 9; Beals-Hecht syndrome. Identifiers: Orphanet 115, MedGen C0220668, MONDO:0007363, OMIM 121050.

Submission:

Labcorp Genetics (formerly Invitae), Labcorp
Classification: Uncertain significance for Congenital contractural arachnodactyly. Last evaluated: 2025-11-25. Review status: criteria provided, single submitter. Criteria: Invitae Variant Classification Sherloc (09022015). Collection method: clinical testing. Allele origin: germline.
Comment: This sequence change replaces leucine, which is neutral and non-polar, with phenylalanine, which is neutral and non-polar, at codon 2809 of the FBN2 protein (p.Leu2809Phe). This variant is not present in population databases (gnomAD no frequency). This variant has not been reported in the literature in individuals affected with FBN2-related conditions. ClinVar contains an entry for this variant (Variation ID: 846176). Invitae Evidence Modeling of protein sequence and biophysical properties (such as structural, functional, and spatial information, amino acid conservation, physicochemical variation, residue mobility, and thermodynamic stability) indicates that this missense variant is not expected to disrupt FBN2 protein function with a negative predictive value of 80%. In summary, the available evidence is currently insufficient to determine the role of this variant in disease. Therefore, it has been classified as a Variant of Uncertain Significance.